The following is an entry in ClinVar:

ClinVar aggregate classification (germline): Pathogenic (1 of 4 stars; one submission).

Conditions:
Neurofibromatosis, type 1 (NF1). Also called: VON RECKLINGHAUSEN DISEASE; NEUROFIBROMATOSIS, TYPE I, SOMATIC; Peripheral type neurofibromatosis; Neurofibromatosis, type I. Identifiers: Orphanet 636, MedGen C0027831, MONDO:0018975, OMIM 162200. Disease mechanism: loss of function.

Submission:

Labcorp Genetics (formerly Invitae), Labcorp
Classification: Pathogenic for Neurofibromatosis, type 1. Last evaluated: 2023-06-02. Review status: criteria provided, single submitter. Criteria: Invitae Variant Classification Sherloc (09022015). Collection method: clinical testing. Allele origin: germline.
Comment: This variant has not been reported in the literature in individuals affected with NF1-related conditions. This variant is not present in population databases (gnomAD no frequency). For these reasons, this variant has been classified as Pathogenic. This sequence change creates a premature translational stop signal (p.Ala1519Glufs*34) in the NF1 gene. It is expected to result in an absent or disrupted protein product. Loss-of-function variants in NF1 are known to be pathogenic (PMID: 10712197, 23913538).

Literature cited by the submitters: PubMed 10712197; PubMed 23913538.

NM_001042492.3(NF1):c.4619del (p.Ala1540fs)

Gene: NF1 (neurofibromin 1; plus strand). Cytogenetic location: 17q11.2.
Variant type: Deletion.
Coding change: c.4619del on transcript NM_001042492.3 (MANE Select); coding-DNA position 4619, one base deleted (C; older notation c.4619delC).
Protein change: p.Ala1540fs; shifts the reading frame from alanine 1540.
Molecular consequence: frameshift variant.
Genome position (GRCh38, 1-based): chr17:31,261,752, C deleted. VCF-style (leftmost placement, unchanged base first): chr17-31261751-GC-G. GRCh37 (hg19) VCF-style: chr17-29588769-GC-G.
Other names: c.4556delC, p.Ala1519Glufs (NM_000267.4); short protein forms A1519fs, A1540fs.
Identifiers: ClinVar variation 2758101 (VCV002758101.3), dbSNP rs2508429477, ClinGen allele CA2697559750.
Genomic context (GRCh38, chr17:31,261,751, plus strand): 5'-AAGTAGTTTGCTGTATCTAGGGATCATAAAGCTGTTGGAAGACGACCTTTTGATAAGATG[GC>G]AACACTTCTTGCATACCTGGGTCCTCCAGAGCACAAACCTGTGGCAGATACACACTGGTC-3'